The following is an entry in ClinVar:

ClinVar aggregate classification (germline): Uncertain significance (1 of 4 stars; one submission).

Conditions:
Glycogen storage disease, type IV (GSD4). Also called: Glycogen storage disease due to glycogen branching enzyme deficiency; AMYLOPECTINOSIS; ANDERSEN DISEASE; BRANCHER DEFICIENCY; CIRRHOSIS, FAMILIAL, WITH DEPOSITION OF ABNORMAL GLYCOGEN; GBE1 DEFICIENCY. Identifiers: Orphanet 367, MedGen C0017923, MONDO:0009292, OMIM 232500.
Glycogen storage disease IV, classic hepatic. Also called: GSD IV, CLASSIC HEPATIC. Identifiers: MedGen C1856301.

gnomAD v4.1: 17 of 1,612,600 alleles (0.0011%); highest among the groups gnomAD compares: Admixed American, 0.023%; no homozygotes.

Submission:

Labcorp Genetics (formerly Invitae), Labcorp
Classification: Uncertain significance for Glycogen storage disease, type IV; Glycogen storage disease IV, classic hepatic. Last evaluated: 2022-07-15. Review status: criteria provided, single submitter. Criteria: Invitae Variant Classification Sherloc (09022015). Collection method: clinical testing. Allele origin: germline.
Comment: This sequence change replaces serine, which is neutral and polar, with arginine, which is basic and polar, at codon 689 of the GBE1 protein (p.Ser689Arg). This variant is present in population databases (no rsID available, gnomAD 0.02%). This variant has not been reported in the literature in individuals affected with GBE1-related conditions. Advanced modeling of protein sequence and biophysical properties (such as structural, functional, and spatial information, amino acid conservation, physicochemical variation, residue mobility, and thermodynamic stability) performed at Invitae indicates that this missense variant is not expected to disrupt GBE1 protein function. In summary, the available evidence is currently insufficient to determine the role of this variant in disease. Therefore, it has been classified as a Variant of Uncertain Significance.

NM_000158.4(GBE1):c.2067C>G (p.Ser689Arg)

Gene: GBE1 (1,4-alpha-glucan branching enzyme 1; minus strand). Cytogenetic location: 3p12.2.
Variant type: single nucleotide variant.
Coding change: c.2067C>G on transcript NM_000158.4 (MANE Select); coding-DNA position 2067, C replaced by G.
Protein change: p.Ser689Arg; replaces serine 689 with arginine.
Molecular consequence: missense variant.
Genome position (GRCh38, 1-based): chr3:81,490,449, G>C on the plus strand (C>G on the coding strand, the complement: GBE1 is on the minus strand). VCF-style: chr3-81490449-G-C. GRCh37 (hg19) VCF-style: chr3-81539600-G-C.
Other names: short protein forms S689R.
Identifiers: ClinVar variation 2067778 (VCV002067778.1), dbSNP rs1173853844, ClinGen allele CA353686797.